The following is an entry in ClinVar:

NM_212482.4(FN1):c.2179T>C (p.Ser727Pro)

Gene: FN1 (fibronectin 1; minus strand). Cytogenetic location: 2q35.
Variant type: single nucleotide variant.
Coding change: c.2179T>C on transcript NM_212482.4 (MANE Select); coding-DNA position 2179, T replaced by C.
Protein change: p.Ser727Pro; replaces serine 727 with proline.
Molecular consequence: missense variant.
Genome position (GRCh38, 1-based): chr2:215,409,683, A>G on the plus strand (T>C on the coding strand, the complement: FN1 is on the minus strand). VCF-style: chr2-215409683-A-G. GRCh37 (hg19) VCF-style: chr2-216274406-A-G.
Other names: c.2179T>C, p.Ser727Pro (NM_001306129.2, NM_001306130.2, NM_001306131.2 and 13 more transcripts); short protein forms S727P.
Identifiers: ClinVar variation 2841134 (VCV002841134.3), dbSNP rs2470105823, ClinGen allele CA350491698.

ClinVar aggregate classification (germline): Uncertain significance (1 of 4 stars; one submission).

Submission:

Labcorp Genetics (formerly Invitae), Labcorp
Classification: Uncertain significance. Last evaluated: 2023-03-24. Review status: criteria provided, single submitter. Criteria: Invitae Variant Classification Sherloc (09022015). Collection method: clinical testing. Allele origin: germline.
Comment: This sequence change replaces serine, which is neutral and polar, with proline, which is neutral and non-polar, at codon 727 of the FN1 protein (p.Ser727Pro). This variant is not present in population databases (gnomAD no frequency). This variant has not been reported in the literature in individuals affected with FN1-related conditions. Advanced modeling of protein sequence and biophysical properties (such as structural, functional, and spatial information, amino acid conservation, physicochemical variation, residue mobility, and thermodynamic stability) has been performed at Invitae for this missense variant, however the output from this modeling did not meet the statistical confidence thresholds required to predict the impact of this variant on FN1 protein function. In summary, the available evidence is currently insufficient to determine the role of this variant in disease. Therefore, it has been classified as a Variant of Uncertain Significance.